The following is an entry in ClinVar:

ClinVar aggregate classification (germline): Uncertain significance (1 of 4 stars; one submission).

Submission:

Labcorp Genetics (formerly Invitae), Labcorp
Classification: Uncertain significance. Last evaluated: 2023-09-11. Review status: criteria provided, single submitter. Criteria: Invitae Variant Classification Sherloc (09022015). Collection method: clinical testing. Allele origin: germline.
Comment: In summary, the available evidence is currently insufficient to determine the role of this variant in disease. Therefore, it has been classified as a Variant of Uncertain Significance. An algorithm developed to predict the effect of missense changes on protein structure and function (PolyPhen-2) suggests that this variant is likely to be tolerated. This variant has not been reported in the literature in individuals affected with GEN1-related conditions. Information on the frequency of this variant in the gnomAD database is not available, as this variant may be reported differently in the database. This sequence change replaces threonine, which is neutral and polar, with leucine, which is neutral and non-polar, at codon 680 of the GEN1 protein (p.Thr680Leu).

NM_001130009.3(GEN1):c.2038_2039delinsTT (p.Thr680Leu)

Gene: GEN1 (GEN1 structure-specific endonuclease; plus strand). Cytogenetic location: 2p24.2.
Variant type: Indel.
Coding change: c.2038_2039delinsTT on transcript NM_001130009.3 (MANE Select); coding-DNA positions 2038 to 2039, AC replaced by TT.
Protein change: p.Thr680Leu; replaces threonine 680 with leucine.
Molecular consequence: missense variant.
Genome position (GRCh38, 1-based): chr2:17,781,250-17,781,251, AC replaced by TT. VCF-style: chr2-17781250-AC-TT. GRCh37 (hg19) VCF-style: chr2-17962517-AC-TT.
Other names: c.2038_2039delinsTT, p.Thr680Leu (NM_182625.5); short protein forms T680L.
Identifiers: ClinVar variation 2886447 (VCV002886447.3), dbSNP rs2545629909, ClinGen allele CA2739274149.